The following is an entry in ClinVar:

ClinVar aggregate classification (germline): Uncertain significance (1 of 4 stars; one submission).

Submission:

Genetic Services Laboratory, University of Chicago
Classification: Uncertain significance. Last evaluated: 2021-11-16. Review status: criteria provided, single submitter. Criteria: ACMG Guidelines, 2015. Collection method: clinical testing. Allele origin: germline. Affected: no.
Comment: DNA sequence analysis of the TCF20 gene demonstrated a sequence change, c.2831A>G, in exon 2 that results in an amino acid change, p.Asn944Ser. This sequence change does not appear to have been previously described in individuals with TCF20-related disorders. This sequence change has not been described in the gnomAD population database. The p.Asn944Ser change affects a poorly conserved amino acid residue of the TCF20 protein. The p.Asn944Ser substitution appears to be benign using several in-silico pathogenicity prediction tools (SIFT, PolyPhen2, Align GVGD, REVEL). Due to insufficient evidence and the lack of functional studies, the clinical significance of the p.Asn944Ser change remains unknown at this time.

NM_001378418.1(TCF20):c.2831A>G (p.Asn944Ser)

Gene: TCF20 (transcription factor 20; minus strand). Cytogenetic location: 22q13.2.
Variant type: single nucleotide variant.
Coding change: c.2831A>G on transcript NM_001378418.1 (MANE Select); coding-DNA position 2831, A replaced by G.
Protein change: p.Asn944Ser; replaces asparagine 944 with serine.
Molecular consequence: missense variant.
Genome position (GRCh38, 1-based): chr22:42,212,475, T>C on the plus strand (A>G on the coding strand, the complement: TCF20 is on the minus strand). VCF-style: chr22-42212475-T-C. GRCh37 (hg19) VCF-style: chr22-42608481-T-C.
Other names: c.2831A>G, p.Asn944Ser (NM_005650.4, NM_181492.3); short protein forms N944S.
Identifiers: ClinVar variation 1334816 (VCV001334816.4), dbSNP rs2147209334, ClinGen allele CA411787799.